The following is an entry in ClinVar:

ClinVar aggregate classification (germline): Uncertain significance. Review status: criteria provided, multiple submitters, no conflicts (2 of 4 stars). 2 submissions from 2 submitters: Uncertain significance (2). Last evaluated 2022-08-01.

Conditions:
Hereditary nonpolyposis colorectal neoplasms. Identifiers: MedGen C0009405, MeSH D003123.
Hereditary cancer-predisposing syndrome. Also called: Hereditary neoplastic syndrome; Neoplastic Syndromes, Hereditary; Tumor predisposition; Hereditary Cancer Syndrome. Identifiers: Orphanet 140162, MedGen C0027672, MeSH D009386, MONDO:0015356.

Submissions (2):

Ambry Genetics
Classification: Uncertain significance for Hereditary cancer-predisposing syndrome. Last evaluated: 2022-08-01. Review status: criteria provided, single submitter. Criteria: Ambry Variant Classification Scheme 2023. Collection method: clinical testing. Allele origin: germline.
Comment: The p.E288K variant (also known as c.862G>A), located in coding exon 4 of the MSH6 gene, results from a G to A substitution at nucleotide position 862. The glutamic acid at codon 288 is replaced by lysine, an amino acid with similar properties. This amino acid position is conserved. In addition, the in silico prediction for this alteration is inconclusive. Since supporting evidence is limited at this time, the clinical significance of this alteration remains unclear.

Labcorp Genetics (formerly Invitae), Labcorp
Classification: Uncertain significance for Hereditary nonpolyposis colorectal neoplasms. Last evaluated: 2019-09-19. Review status: criteria provided, single submitter. Criteria: Invitae Variant Classification Sherloc (09022015). Collection method: clinical testing. Allele origin: germline.
Comment: In summary, the available evidence is currently insufficient to determine the role of this variant in disease. Therefore, it has been classified as a Variant of Uncertain Significance. Algorithms developed to predict the effect of missense changes on protein structure and function are either unavailable or do not agree on the potential impact of this missense change (SIFT: "Tolerated"; PolyPhen-2: "Possibly Damaging"; Align-GVGD: "Class C0"). This variant has not been reported in the literature in individuals with MSH6-related conditions. This variant is not present in population databases (ExAC no frequency). This sequence change replaces glutamic acid with lysine at codon 288 of the MSH6 protein (p.Glu288Lys). The glutamic acid residue is moderately conserved and there is a small physicochemical difference between glutamic acid and lysine.

NM_000179.3(MSH6):c.862G>A (p.Glu288Lys)

Gene: MSH6 (mutS homolog 6; plus strand). Cytogenetic location: 2p16.3.
Variant type: single nucleotide variant.
Coding change: c.862G>A on transcript NM_000179.3 (MANE Select); coding-DNA position 862, G replaced by A.
Protein change: p.Glu288Lys; replaces glutamic acid 288 with lysine.
Molecular consequence: missense variant. On other transcripts: 5 prime UTR variant (2).
Genome position (GRCh38, 1-based): chr2:47,798,845, G>A. VCF-style: chr2-47798845-G-A. GRCh37 (hg19) VCF-style: chr2-48025984-G-A.
Other names: c.472G>A, p.Glu158Lys (NM_001281492.2); c.-45G>A (NM_001281493.2, NM_001281494.2); short protein forms E288K, E158K.
Identifiers: ClinVar variation 941985 (VCV000941985.12), dbSNP rs1669263931, ClinGen allele CA346740600.